The following is an entry in ClinVar:

ClinVar aggregate classification (germline): Uncertain significance (1 of 4 stars; one submission).

Conditions:
Autosomal dominant nonsyndromic hearing loss 1. Also called: KONIGSMARK SYNDROME; DEAFNESS, AUTOSOMAL DOMINANT 1, WITH OR WITHOUT THROMBOCYTOPENIA. Identifiers: Orphanet 90635, MedGen C1852282, MONDO:0007424, OMIM 124900.
Progressive microcephaly-seizures-cortical blindness-developmental delay syndrome. Also called: Seizures, cortical blindness, and microcephaly syndrome. Identifiers: Orphanet 477814, MedGen C5567650, MONDO:0014714, OMIM 616632.

gnomAD v4.1: 1 of 1,614,058 alleles (0.000062%); highest among the groups gnomAD compares: African/African-American, 0.0013%; no homozygotes.

Submission:

Labcorp Genetics (formerly Invitae), Labcorp
Classification: Uncertain significance for Progressive microcephaly-seizures-cortical blindness-developmental delay syndrome; Autosomal dominant nonsyndromic hearing loss 1. Last evaluated: 2024-06-09. Review status: criteria provided, single submitter. Criteria: Invitae Variant Classification Sherloc (09022015). Collection method: clinical testing. Allele origin: germline.
Comment: This sequence change replaces lysine, which is basic and polar, with arginine, which is basic and polar, at codon 520 of the DIAPH1 protein (p.Lys520Arg). This variant is present in population databases (no rsID available, gnomAD 0.01%). This variant has not been reported in the literature in individuals affected with DIAPH1-related conditions. Experimental studies and prediction algorithms are not available or were not evaluated, and the functional significance of this variant is currently unknown. In summary, the available evidence is currently insufficient to determine the role of this variant in disease. Therefore, it has been classified as a Variant of Uncertain Significance.

NM_005219.5(DIAPH1):c.1559A>G (p.Lys520Arg)

Gene: DIAPH1 (diaphanous related formin 1; minus strand). Cytogenetic location: 5q31.3.
Variant type: single nucleotide variant.
Coding change: c.1559A>G on transcript NM_005219.5 (MANE Select); coding-DNA position 1559, A replaced by G.
Protein change: p.Lys520Arg; replaces lysine 520 with arginine.
Molecular consequence: missense variant.
Genome position (GRCh38, 1-based): chr5:141,575,049, T>C on the plus strand (A>G on the coding strand, the complement: DIAPH1 is on the minus strand). VCF-style: chr5-141575049-T-C. GRCh37 (hg19) VCF-style: chr5-140954616-T-C.
Other names: c.1532A>G, p.Lys511Arg (NM_001079812.3); c.1559A>G, p.Lys520Arg (NM_001314007.2); short protein forms K511R, K520R.
Identifiers: ClinVar variation 3756740 (VCV003756740.2).